The following is an entry in ClinVar:

ClinVar aggregate classification (germline): Uncertain significance (1 of 4 stars; one submission).

Conditions:
Neurodevelopmental disorder with speech impairment and dysmorphic facies. Identifiers: MedGen C5436699, MONDO:0033630, OMIM 619056.

Submission:

Dasa
Classification: Uncertain significance for Neurodevelopmental disorder with speech impairment and dysmorphic facies. Last evaluated: 2025-04-04. Review status: criteria provided, single submitter. Criteria: DASA Assertion Criteria. Collection method: clinical testing. Allele origin: germline.
Comment: NM_014712.3(SETD1A):c.1963C>A (p.His655Asn) is a missense variant that results in the substitution of histidine with asparagine. This variant is rare in population databases. Computational prediction algorithms are consistent with a benign effect. The currently available literature and clinical evidence are not sufficient to establish a definitive association between this variant and the reported condition. Therefore, this variant is classified as a variant of uncertain significance.

NM_014712.3(SETD1A):c.1963C>A (p.His655Asn)

Gene: SETD1A (SET domain containing 1A, histone lysine methyltransferase; plus strand). Cytogenetic location: 16p11.2.
Variant type: single nucleotide variant.
Coding change: c.1963C>A on transcript NM_014712.3 (MANE Select); coding-DNA position 1963, C replaced by A.
Protein change: p.His655Asn; replaces histidine 655 with asparagine.
Molecular consequence: missense variant.
Genome position (GRCh38, 1-based): chr16:30,965,844, C>A. VCF-style: chr16-30965844-C-A. GRCh37 (hg19) VCF-style: chr16-30977165-C-A.
Other names: short protein forms H655N.
Identifiers: ClinVar variation 4883272 (VCV004883272.2).
Genomic context (GRCh38, chr16:30,965,844, plus strand): 5'-CCACCCAGACCTGATGGGCCGCCGCCCCCTGAGTACCCCCCACCTCCTCCACCACCCCCG[C>A]ACATCTATGACTTTGTGAACTCCTTGGAGCTCATGGACCGACTTGGGGCTCAGTGGGGAG-3'
Protein context (NP_055527.1, residues 645-665): EYPPPPPPPP[His655Asn]IYDFVNSLEL